The following is an entry in ClinVar:

ClinVar aggregate classification (germline): Pathogenic (1 of 4 stars; one submission).

Conditions:
Glycogen storage disease, type II (IOPD). Also called: POMPE DISEASE, INFANTILE-ONSET; GLYCOGEN STORAGE DISEASE II, INFANTILE-ONSET; ACID ALPHA-GLUCOSIDASE DEFICIENCY, INFANTILE-ONSET; GAA DEFICIENCY, INFANTILE-ONSET; ACID MALTASE DEFICIENCY, INFANTILE-ONSET; Glycogen storage disease type 2. Identifiers: Orphanet 365, MedGen C0017921, MONDO:0009290, OMIM 232300.

Submission:

Labcorp Genetics (formerly Invitae), Labcorp
Classification: Pathogenic for Glycogen storage disease, type II. Last evaluated: 2024-12-26. Review status: criteria provided, single submitter. Criteria: Invitae Variant Classification Sherloc (09022015). Collection method: clinical testing. Allele origin: germline.
Comment: This sequence change creates a premature translational stop signal (p.Gly73Alafs*71) in the GAA gene. It is expected to result in an absent or disrupted protein product. Loss-of-function variants in GAA are known to be pathogenic (PMID: 18425781, 22252923). This variant is not present in population databases (gnomAD no frequency). This variant has not been reported in the literature in individuals affected with GAA-related conditions. For these reasons, this variant has been classified as Pathogenic.

Literature cited by the submitters: PubMed 18425781; PubMed 22252923.

NM_000152.5(GAA):c.213_217dup (p.Gly73fs)

Gene: GAA (alpha glucosidase; plus strand). Cytogenetic location: 17q25.3.
Variant type: Duplication.
Coding change: c.213_217dup on transcript NM_000152.5 (MANE Select); coding-DNA positions 213 to 217, 5 bases duplicated (CCCCG; older notation c.213_217dupCCCCG).
Protein change: p.Gly73fs; shifts the reading frame from glycine 73.
Molecular consequence: frameshift variant.
Genome position (GRCh38, 1-based): chr17:80,104,799-80,104,803, CCCCG duplicated. VCF-style (leftmost placement, unchanged base first): chr17-80104798-A-ACCCCG. GRCh37 (hg19) VCF-style: chr17-78078597-A-ACCCCG.
Other names: c.213_217dup, p.Gly73fs (NM_001079803.3, NM_001079804.3, NM_001406741.1 and 1 more transcripts); short protein forms G73fs.
Identifiers: ClinVar variation 3728093 (VCV003728093.2).